The following is an entry in ClinVar:

ClinVar aggregate classification (germline): Benign/Likely benign. Review status: criteria provided, multiple submitters, no conflicts (2 of 4 stars). 3 submissions from 3 submitters: Benign (1); Likely benign (2). Last evaluated 2025-02-07.

Conditions:
POLD1-related polyposis and colorectal cancer syndrome (CRCS10). Also called: COLORECTAL CANCER, SUSCEPTIBILITY TO, ON CHROMOSOME 19q; Colorectal cancer 10; Colorectal cancer, susceptibility to, 10. Identifiers: Orphanet 220460, MedGen C2675481, MONDO:0012953, OMIM 612591.
Hereditary cancer-predisposing syndrome. Also called: Neoplastic Syndromes, Hereditary; Tumor predisposition; Hereditary Cancer Syndrome; Hereditary neoplastic syndrome. Identifiers: Orphanet 140162, MedGen C0027672, MeSH D009386, MONDO:0015356.

Allele frequency attached by ClinVar (database versions not stated): TOPMed below 0.00001; ExAC 0.00001; gnomAD 0.00001.
gnomAD v4.1: 1 of 1,613,178 alleles (0.000062%); highest among the groups gnomAD compares: African/African-American, 0.0013%; no homozygotes.

Submissions (3):

Myriad Genetics, Inc.
Classification: Benign for POLD1-related polyposis and colorectal cancer syndrome. Last evaluated: 2025-02-07. Review status: criteria provided, single submitter. Criteria: Myriad Autosomal Dominant, Autosomal Recessive and X-Linked Classification Criteria (2023). Collection method: clinical testing. Allele origin: unknown.
Comment: This variant is considered benign. This variant is a silent/synonymous amino acid change and it is not expected to impact splicing.

Labcorp Genetics (formerly Invitae), Labcorp
Classification: Likely benign for POLD1-related polyposis and colorectal cancer syndrome. Last evaluated: 2024-12-17. Review status: criteria provided, single submitter. Criteria: Invitae Variant Classification Sherloc (09022015). Collection method: clinical testing. Allele origin: germline.

Ambry Genetics
Classification: Likely benign for Hereditary cancer-predisposing syndrome. Last evaluated: 2022-12-05. Review status: criteria provided, single submitter. Criteria: Ambry Variant Classification Scheme 2023. Collection method: clinical testing. Allele origin: germline.

NM_002691.4(POLD1):c.1638G>A (p.Leu546=)

Gene: POLD1 (DNA polymerase delta 1, catalytic subunit; plus strand). Cytogenetic location: 19q13.33.
Variant type: single nucleotide variant.
Coding change: c.1638G>A on transcript NM_002691.4 (MANE Select); coding-DNA position 1638, G replaced by A.
Protein change: p.Leu546=; no amino-acid change (leucine 546 retained).
Molecular consequence: synonymous variant. On other transcripts: non-coding transcript variant (1).
Genome position (GRCh38, 1-based): chr19:50,407,126, G>A. VCF-style: chr19-50407126-G-A. GRCh37 (hg19) VCF-style: chr19-50910383-G-A.
Other names: c.1638G>A, p.Leu546= (NM_001256849.1, NM_001308632.1).
Identifiers: ClinVar variation 2448200 (VCV002448200.6), dbSNP rs748925155, ClinGen allele CA9596192.
Genomic context (GRCh38, chr19:50,407,126, plus strand): 5'-CATGGTGCTGGTGAACGCCGTGGAGATGGCGAGGGTCACTGGCGTGCCCCTCAGCTACCT[G>A]CTCAGTCGTGGCCAGCAGGTCAAGGTCGTATCCCAGCTGTTGCGGCAGGTCAGTAGCCGA-3'
Protein context (NP_002682.2, residues 536-556): ARVTGVPLSY[Leu546=]LSRGQQVKVV